The following is an entry in ClinVar:

NM_001371623.1(TCOF1):c.835A>G (p.Ser279Gly)

Gene: TCOF1 (treacle ribosome biogenesis factor 1; plus strand). Cytogenetic location: 5q32.
Variant type: single nucleotide variant.
Coding change: c.835A>G on transcript NM_001371623.1 (MANE Select); coding-DNA position 835, A replaced by G.
Protein change: p.Ser279Gly; replaces serine 279 with glycine.
Molecular consequence: missense variant. On other transcripts: intron variant (2).
Genome position (GRCh38, 1-based): chr5:150,372,201, A>G. VCF-style: chr5-150372201-A-G. GRCh37 (hg19) VCF-style: chr5-149751764-A-G.
Other names: c.835A>G, p.Ser279Gly (NM_001008657.3, NM_001135243.2, NM_001135244.2 and 1 more transcripts); c.640-1973A>G (NM_001135245.2, NM_000356.4); short protein forms S279G.
Identifiers: ClinVar variation 566643 (VCV000566643.9), dbSNP rs1562326677, ClinGen allele CA361740039.
Genomic context (GRCh38, chr5:150,372,201, plus strand): 5'-CCAGCCAAGAGGGCCAAGAAGCCAGAAGAGGAGTCAGAGAGTAGTGAGGAGGGATCTGAA[A>G]GTGAGGAGGAGGCCCCTGCAGGGACACGAAGCCAGGTGAGGCCTGGAGGAGGGCTGCCCC-3'
Protein context (NP_001358552.1, residues 269-289): ESESSEEGSE[Ser279Gly]EEEAPAGTRS

ClinVar aggregate classification (germline): Uncertain significance (1 of 4 stars; one submission).

Conditions:
Treacher Collins syndrome 1 (TCS1). Also called: TCOF1-Related Treacher Collins Syndrome. Identifiers: Orphanet 861, MedGen CN315775, MONDO:0007944, OMIM 154500.

Submission:

Labcorp Genetics (formerly Invitae), Labcorp
Classification: Uncertain significance for Treacher Collins syndrome 1. Last evaluated: 2018-02-07. Review status: criteria provided, single submitter. Criteria: Invitae Variant Classification Sherloc (09022015). Collection method: clinical testing. Allele origin: germline.
Comment: This sequence change replaces serine with glycine at codon 279 of the TCOF1 protein (p.Ser279Gly). The serine residue is moderately conserved and there is a small physicochemical difference between serine and glycine. In summary, the available evidence is currently insufficient to determine the role of this variant in disease. Therefore, it has been classified as a Variant of Uncertain Significance. Algorithms developed to predict the effect of sequence changes on RNA splicing suggest that this variant may create or strengthen a splice site, but this prediction has not been confirmed by published transcriptional studies. Algorithms developed to predict the effect of missense changes on protein structure and function do not agree on the potential impact of this missense change (SIFT: "Deleterious"; PolyPhen-2: "Probably Damaging"; Align-GVGD: "Class C0"). This variant has not been reported in the literature in individuals with TCOF1-related disease. This variant is not present in population databases (ExAC no frequency).